The following is an entry in ClinVar:

NM_001127222.2(CACNA1A):c.2114T>A (p.Leu705Gln)

Gene: CACNA1A (calcium voltage-gated channel subunit alpha1 A; minus strand). Cytogenetic location: 19p13.13.
Variant type: single nucleotide variant.
Coding change: c.2114T>A on transcript NM_001127222.2 (MANE Select); coding-DNA position 2114, T replaced by A.
Protein change: p.Leu705Gln; replaces leucine 705 with glutamine.
Molecular consequence: missense variant.
Genome position (GRCh38, 1-based): chr19:13,303,604, A>T on the plus strand (T>A on the coding strand, the complement: CACNA1A is on the minus strand). VCF-style: chr19-13303604-A-T. GRCh37 (hg19) VCF-style: chr19-13414418-A-T.
Other names: c.2117T>A, p.Leu706Gln (NM_000068.4, NM_001127221.2, NM_001174080.2 and 1 more transcripts); short protein forms L705Q, L706Q.
Identifiers: ClinVar variation 4681325 (VCV004681325.5).

ClinVar aggregate classification (germline): Likely pathogenic (1 of 4 stars; one submission).

Submission:

CeGaT Center for Human Genetics Tuebingen
Classification: Likely pathogenic. Last evaluated: 2025-12-01. Review status: criteria provided, single submitter. Criteria: CeGaT Center For Human Genetics Tuebingen Variant Classification Criteria Version 2. Collection method: clinical testing. Allele origin: germline. Affected: yes. Observed: 1 variant allele.
Comment: CACNA1A: PM1, PM2, PP2, PP3